The following is an entry in ClinVar:

ClinVar aggregate classification (germline): Pathogenic (1 of 4 stars; one submission).

Submission:

ISCA Site 6
Classification: Pathogenic. Last evaluated: 2011-08-12. Review status: criteria provided, single submitter. Criteria: Kaminsky et al. (Genet Med. 2011). Collection method: clinical testing. Allele origin: unknown. Affected: yes. Observed: 1 variant allele.
Comment: Copy number variation identified through the course of routine clinical cytogenomic testing in postnatal populations. Clinical assertions have been curated as described in Kaminsky et al. 2011.

GRCh38/hg38 15q11.1-13.3(chr15:20002460-32121422)x3

Genes: GOLGA6L7 (golgin A6 family like 7; minus strand), GOLGA8F (golgin A8 family member F; plus strand), GOLGA8G (golgin A8 family member G; minus strand), GOLGA8H (golgin A8 family member H), GOLGA8J (golgin A8 family member J; plus strand) and 252 more. Cytogenetic location: 15q11.1-13.3.
Variant type: copy number gain.
Change: copy number 3 (three copies instead of two) of chr15:20,002,460-32,121,422 (12.12 Mb, GRCh38 coordinates, 1-based), cytogenetic band 15q11.1-13.3.
Identifiers: ClinVar variation 58569 (VCV000058569.2).